The following is an entry in ClinVar:

ClinVar aggregate classification (germline): Uncertain significance. Review status: criteria provided, multiple submitters, no conflicts (2 of 4 stars). 5 submissions from 5 submitters: Uncertain significance (5). Last evaluated 2026-01-12.

Conditions:
Hypertrophic cardiomyopathy 20. Identifiers: MedGen C3151267, MONDO:0013477, OMIM 613876.
Dilated cardiomyopathy 1CC (CMD1CC). Identifiers: Orphanet 154, MedGen C2751084, MONDO:0013147, OMIM 613122.
Cardiovascular phenotype. Identifiers: MedGen CN230736.

Submissions (5):

Labcorp Genetics (formerly Invitae), Labcorp
Classification: Uncertain significance for Dilated cardiomyopathy 1CC; Hypertrophic cardiomyopathy 20. Last evaluated: 2026-01-12. Review status: criteria provided, single submitter. Criteria: Invitae Variant Classification Sherloc (09022015). Collection method: clinical testing. Allele origin: germline.
Comment: This sequence change disrupts the translational stop signal of the NEXN mRNA. It is expected to extend the length of the NEXN protein by 8 additional amino acid residues. This variant is present in population databases (rs764404383, gnomAD 0.04%). This variant has not been reported in the literature in individuals affected with NEXN-related conditions. ClinVar contains an entry for this variant (Variation ID: 201946). Experimental studies and prediction algorithms are not available or were not evaluated, and the functional significance of this variant is currently unknown. In summary, the available evidence is currently insufficient to determine the role of this variant in disease. Therefore, it has been classified as a Variant of Uncertain Significance.

GeneDx
Classification: Uncertain significance. Last evaluated: 2025-11-24. Review status: criteria provided, single submitter. Criteria: GeneDx Variant Classification Process June 2021. Collection method: clinical testing. Allele origin: germline. Affected: yes.
Comment: Reported in an individual from an exome sequencing cohort; however, patient-specific clinical details were not provided (PMID: 36129056); Stop codon loss and change to a histidine codon, leading to protein extension and the addition of 8 amino acid(s) at the C-terminus; This variant is associated with the following publications: (PMID: 36129056)

Women's Health and Genetics/Laboratory Corporation of America, LabCorp
Classification: Uncertain significance. Last evaluated: 2025-10-06. Review status: criteria provided, single submitter. Criteria: LabCorp Variant Classification Summary - May 2015. Collection method: clinical testing. Allele origin: germline.
Comment: Variant summary: NEXN c.2026_*1delTAAT (p.X676HisfsX9) causes a frameshift which results in an extension of the protein. The variant allele was found at a frequency of 5.7e-05 in 246376 control chromosomes (gnomAD). The observed variant frequency exceeds the estimated maximal expected allele frequency for disease-causing variants in NEXN. c.2026_*1delTAAT has been observed in individuals affected with Cardiomyopathy without strong evidence of causality (Perotto_2025). These data do not allow any conclusion about variant significance. To our knowledge, no experimental evidence demonstrating an impact on protein function has been reported. The following publication has been ascertained in the context of this evaluation (PMID: 40680702). ClinVar contains an entry for this variant (Variation ID: 201946). Based on the evidence outlined above, the variant was classified as uncertain significance.

Ambry Genetics
Classification: Uncertain significance for Cardiovascular phenotype. Last evaluated: 2023-12-01. Review status: criteria provided, single submitter. Criteria: Ambry Variant Classification Scheme 2023. Collection method: clinical testing. Allele origin: germline.
Comment: The c.2026_*1delTAAT variant (also known as p.*676Hext*8) is located in coding exon 12 of the NEXN gene. This variant results from a deletion of 4 nucleotides from position 2026 into the 3' untranslated region. This alteration disrupts the stop codon of the NEXN gene and is predicted to preserve the native sequence while resulting in the elongation of the protein by 8 amino acids. The exact functional effect of the additional amino acids is unknown. Since supporting evidence is limited at this time, the clinical significance of this alteration remains unclear.

Laboratory for Molecular Medicine, Mass General Brigham Personalized Medicine
Classification: Uncertain significance. Last evaluated: 2017-09-11. Review status: criteria provided, single submitter. Criteria: LMM Criteria. Collection method: clinical testing. Allele origin: germline. Observed: 1 variant allele.
Comment: The p.X676HisextX9 variant in NEXN has not been previously reported in individua ls with cardiomyopathy but has been identified in 13/34248 of Latino chromosomes by the Genome Aggregation Database (gnomAD; d bSNP rs794729094). This variant deletes the stop codon, replaces it with a Histi dine and extends the protein by 8 amino acids. The impact of this change on prot ein function is unknown. NEXN variants have been described in individuals with D CM and HCM but they are rare and overall poorly studied. In summary, the clinica l significance of the p.X676HisextX9 variant is uncertain.

Literature cited by the submitters: PubMed 40680702 (cited by Women's Health and Genetics/Laboratory Corporation of America, LabCorp); PubMed 32529721 (cited by Ambry Genetics); PubMed 19881492 (cited by Laboratory for Molecular Medicine, Mass General Brigham Personalized Medicine); PubMed 20970104 (cited by Laboratory for Molecular Medicine, Mass General Brigham Personalized Medicine).

NM_144573.3(NEXN):c.2026_*1del

Gene: NEXN (nexilin F-actin binding protein; plus strand). Cytogenetic location: 1p31.1.
Variant type: Deletion.
Coding change: c.2026_*1del on transcript NM_144573.3; coding-DNA position 2026 through 1 bases downstream of the stop codon, 4 bases deleted (TAAT; older notation c.2026_*1delTAAT).
Molecular consequence: frameshift variant, stop lost.
Genome position (GRCh38, 1-based): chr1:77,942,827-77,942,830, TAAT deleted; deleting any 4 consecutive bases within chr1:77,942,824-77,942,830 gives the same sequence; the c. name uses the placement nearest the transcript's 3' end. VCF-style (leftmost placement, unchanged base first): chr1-77942823-GAATT-G. GRCh37 (hg19) VCF-style: chr1-78408508-GAATT-G.
Other names: c.2026_*1delTAAT (NM_144573.4, NM_144573.3); c.2026_2029delTAAT (NM_144573.3); c.1834_1837delTAAT (NM_001172309.1); c.1834_*1del, p.Ter612HisextTer? (NM_001172309.2); c.2026_*1del, p.Ter676HisextTer? (NM_144573.4).
Identifiers: ClinVar variation 201946 (VCV000201946.16), dbSNP rs794729094, ClinGen allele CA335472.